The following is an entry in ClinVar:

ClinVar aggregate classification (germline): Uncertain significance. Review status: criteria provided, multiple submitters, no conflicts (2 of 4 stars). 6 submissions from 6 submitters: Uncertain significance (6). Last evaluated 2025-10-18.

Conditions:
Familial thoracic aortic aneurysm and aortic dissection (TAAD). Also called: Thoracic aortic aneurysms and dissections. Identifiers: Orphanet 91387, MedGen C4707243, MONDO:0019625.
Ehlers-Danlos syndrome, type 4 (EDSVASC). Also called: Ehlers-Danlos syndrome vascular type; Ehlers Danlos syndrome, ecchymotic type; Ehlers Danlos syndrome, arterial type; Ehlers Danlos syndrome, Sack-Barabas type; Ehlers-Danlos Syndrome Type IV. Identifiers: Orphanet 286, MedGen C0268338, MONDO:0017314, OMIM 130050.

Allele frequency attached by ClinVar (database versions not stated): gnomAD 0.00001; TOPMed 0.00003.

Submissions (6):

Labcorp Genetics (formerly Invitae), Labcorp
Classification: Uncertain significance for Ehlers-Danlos syndrome, type 4. Last evaluated: 2025-10-18. Review status: criteria provided, single submitter. Criteria: Invitae Variant Classification Sherloc (09022015). Collection method: clinical testing. Allele origin: germline.
Comment: This sequence change replaces alanine, which is neutral and non-polar, with valine, which is neutral and non-polar, at codon 1075 of the COL3A1 protein (p.Ala1075Val). This variant is not present in population databases (gnomAD no frequency). This variant has not been reported in the literature in individuals affected with COL3A1-related conditions. ClinVar contains an entry for this variant (Variation ID: 927774). Invitae Evidence Modeling of protein sequence and biophysical properties (such as structural, functional, and spatial information, amino acid conservation, physicochemical variation, residue mobility, and thermodynamic stability) indicates that this missense variant is not expected to disrupt COL3A1 protein function with a negative predictive value of 95%. In summary, the available evidence is currently insufficient to determine the role of this variant in disease. Therefore, it has been classified as a Variant of Uncertain Significance.

Women's Health and Genetics/Laboratory Corporation of America, LabCorp
Classification: Uncertain significance. Last evaluated: 2025-04-22. Review status: criteria provided, single submitter. Criteria: LabCorp Variant Classification Summary - May 2015. Collection method: clinical testing. Allele origin: germline.
Comment: Variant summary: COL3A1 c.3224C>T (p.Ala1075Val) results in a non-conservative amino acid change in the encoded protein sequence. Four of five in-silico tools predict a damaging effect of the variant on protein function. The variant was absent in 251342 control chromosomes. The available data on variant occurrences in the general population are insufficient to allow any conclusion about variant significance. To our knowledge, no occurrence of c.3224C>T in individuals affected with Polymicrogyria with or without vascular-type Ehlers-Danlos syndrome and no experimental evidence demonstrating its impact on protein function have been reported. ClinVar contains an entry for this variant (Variation ID: 927774). Based on the evidence outlined above, the variant was classified as uncertain significance.

Mayo Clinic Laboratories, Mayo Clinic
Classification: Uncertain significance. Last evaluated: 2024-09-27. Review status: criteria provided, single submitter. Criteria: ACMG Guidelines, 2015. Collection method: clinical testing. Allele origin: germline. Observed: 1 variant allele.
Comment: PM2

All of Us Research Program, National Institutes of Health
Classification: Uncertain significance for Ehlers-Danlos syndrome, type 4. Last evaluated: 2024-05-14. Review status: criteria provided, single submitter. Criteria: ACMG Guidelines, 2015. Collection method: clinical testing. Allele origin: germline. Inheritance: Autosomal dominant inheritance. Observed: 3 variant alleles, 3 heterozygotes.
Comment: This missense variant replaces alanine with valine at codon 1075 of the COL3A1 protein. Computational prediction tools and conservation analyses are inconclusive regarding the impact of this variant on the protein function. Computational splicing tools suggest that this variant may not impact RNA splicing. To our knowledge, functional assays have not been performed for this variant nor has this variant been reported in individuals affected with cardiovascular disorders in the literature. This variant has not been identified in the general population by the Genome Aggregation Database (gnomAD). Available evidence is insufficient to determine the role of this variant in disease conclusively. Therefore, this variant is classified as a Variant of Uncertain Significance.

This study involves interpretation of variants in research participants for the purpose of population health screening. Participant phenotype was not available at the time of variant classification. Additional details can be found in publication PMID: 35346344, PMCID: PMC8962531

Color Diagnostics, LLC DBA Color Health
Classification: Uncertain significance for Familial thoracic aortic aneurysm and aortic dissection. Last evaluated: 2024-03-06. Review status: criteria provided, single submitter. Criteria: ACMG Guidelines, 2015. Collection method: clinical testing. Allele origin: germline.
Comment: This missense variant replaces alanine with valine at codon 1075 of the COL3A1 protein. Computational prediction suggests that this variant may not impact protein structure and function (internally defined REVEL score threshold <= 0.5, PMID: 27666373). To our knowledge, functional studies have not been reported for this variant. This variant has not been reported in individuals affected with COL3A1-related disorders in the literature. This variant has not been identified in the general population by the Genome Aggregation Database (gnomAD). The available evidence is insufficient to determine the role of this variant in disease conclusively. Therefore, this variant is classified as a Variant of Uncertain Significance.

GeneDx
Classification: Uncertain significance. Last evaluated: 2021-04-08. Review status: criteria provided, single submitter. Criteria: GeneDx Variant Classification Process June 2021. Collection method: clinical testing. Allele origin: germline. Affected: yes.
Comment: Has not been previously published as pathogenic or benign to our knowledge; Not observed in large population cohorts (Lek et al., 2016); In silico analysis supports that this missense variant does not alter protein structure/function; Occurs in the triple helical domain at the X position in the canonical Gly-X-Y repeat; although this variant may have an effect on normal protein folding and function, missense substitution at the X position is not a common mechanism of disease (Stenson et al., 2014); Reported in ClinVar as a variant of uncertain significance (ClinVar Variant ID# 927774; Landrum et al., 2016)

NM_000090.4(COL3A1):c.3224C>T (p.Ala1075Val)

Gene: COL3A1 (collagen type III alpha 1 chain; plus strand). Cytogenetic location: 2q32.2.
Variant type: single nucleotide variant.
Coding change: c.3224C>T on transcript NM_000090.4 (MANE Select); coding-DNA position 3224, C replaced by T.
Protein change: p.Ala1075Val; replaces alanine 1075 with valine.
Molecular consequence: missense variant.
Genome position (GRCh38, 1-based): chr2:189,006,959, C>T. VCF-style: chr2-189006959-C-T. GRCh37 (hg19) VCF-style: chr2-189871685-C-T.
Other names: p.Ala1075Val; short protein forms A1075V.
Identifiers: ClinVar variation 927774 (VCV000927774.13), dbSNP rs952989325, ClinGen allele CA62559927.